The following is an entry in ClinVar:

NM_002473.6(MYH9):c.1124C>T (p.Ser375Phe)

Gene: MYH9 (myosin heavy chain 9; minus strand). Cytogenetic location: 22q12.3.
Variant type: single nucleotide variant.
Coding change: c.1124C>T on transcript NM_002473.6 (MANE Select); coding-DNA position 1124, C replaced by T.
Protein change: p.Ser375Phe; replaces serine 375 with phenylalanine.
Molecular consequence: missense variant.
Genome position (GRCh38, 1-based): chr22:36,318,310, G>A on the plus strand (C>T on the coding strand, the complement: MYH9 is on the minus strand). VCF-style: chr22-36318310-G-A. GRCh37 (hg19) VCF-style: chr22-36714355-G-A.
Other names: short protein forms S375F.
Identifiers: ClinVar variation 1684334 (VCV001684334.1), dbSNP rs2146361194, ClinGen allele CA411403772.

ClinVar aggregate classification (germline): Uncertain significance (0 of 4 stars; one submission).

Conditions:
Macrothrombocytopenia and granulocyte inclusions with or without nephritis or sensorineural hearing loss (MATINS). Also called: MYH9-Related Disease (MYH9-RD); MACROTHROMBOCYTOPENIA WITH LEUKOCYTE INCLUSIONS; BLEEDING DISORDER, PLATELET-TYPE, 6; SEBASTIAN PLATELET SYNDROME; MACROTHROMBOCYTOPENIA WITH DISPERSED LEUKOCYTIC INCLUSIONS; MACROTHROMBOCYTOPENIA, NEPHRITIS, AND DEAFNESS. Identifiers: Orphanet 182050, MedGen C5200934, MONDO:0015912, OMIM 155100.

Submission:

ISTH-SSC Genomics in Thrombosis and Hemostasis, KU Leuven, Center for Molecular and Vascular Biology
Classification: Uncertain significance for Macrothrombocytopenia and granulocyte inclusions with or without nephritis or sensorineural hearing loss. Review status: no assertion criteria provided. Collection method: research. Allele origin: unknown. Affected: yes.
Comment: Submitted to GoldVariant by Neil Morgan from Birmingham Platelet Group, Birmingham, UK